The following is an entry in ClinVar:

ClinVar aggregate classification (germline): Conflicting classifications of pathogenicity. Review status: criteria provided, conflicting classifications (1 of 4 stars). 4 submissions from 4 submitters: Uncertain significance (3); Likely benign (1). Last evaluated 2024-10-23.

Conditions:
Cardiomyopathy (CMYO). Also called: Cardiomyopathies. Identifiers: Orphanet 167848, MedGen C0878544, MONDO:0004994, HP:0001638. Inheritance: Various modes of inheritance.
Cardiovascular phenotype. Identifiers: MedGen CN230736.
Familial isolated arrhythmogenic right ventricular dysplasia. Identifiers: Orphanet 217656, MedGen C4274968, MONDO:0016342.
Arrhythmogenic right ventricular dysplasia 11. Also called: Arrhythmogenic Right Ventricular Dysplasia/Cardiomyopathy11; ARRHYTHMOGENIC RIGHT VENTRICULAR DYSPLASIA, FAMILIAL, 11; Arrhythmogenic right ventricular dysplasia 11 with mild palmoplantar keratoderma and woolly hair. Identifiers: MedGen C1864850, MONDO:0012506, OMIM 610476.

Allele frequency attached by ClinVar (database versions not stated): TOPMed 0.00001.
gnomAD v4.1: 24 of 1,613,988 alleles (0.0015%); highest among the groups gnomAD compares: Middle Eastern, 0.033%; no homozygotes.

Submissions (4):

Labcorp Genetics (formerly Invitae), Labcorp
Classification: Uncertain significance for Arrhythmogenic right ventricular dysplasia 11. Last evaluated: 2024-10-23. Review status: criteria provided, single submitter. Criteria: Invitae Variant Classification Sherloc (09022015). Collection method: clinical testing. Allele origin: germline.
Comment: This sequence change replaces arginine, which is basic and polar, with leucine, which is neutral and non-polar, at codon 479 of the DSC2 protein (p.Arg479Leu). This variant is present in population databases (rs774641579, gnomAD 0.01%). This variant has not been reported in the literature in individuals affected with DSC2-related conditions. ClinVar contains an entry for this variant (Variation ID: 928252). Invitae Evidence Modeling of protein sequence and biophysical properties (such as structural, functional, and spatial information, amino acid conservation, physicochemical variation, residue mobility, and thermodynamic stability) indicates that this missense variant is not expected to disrupt DSC2 protein function with a negative predictive value of 80%. In summary, the available evidence is currently insufficient to determine the role of this variant in disease. Therefore, it has been classified as a Variant of Uncertain Significance.

All of Us Research Program, National Institutes of Health
Classification: Uncertain significance for Familial isolated arrhythmogenic right ventricular dysplasia. Last evaluated: 2024-08-13. Review status: criteria provided, single submitter. Criteria: ACMG Guidelines, 2015. Collection method: clinical testing. Allele origin: germline. Inheritance: Autosomal dominant inheritance. Observed: 3 variant alleles, 3 heterozygotes.
Comment: This missense variant replaces arginine with leucine at codon 479 of the DSC2 protein. Computational prediction tools and conservation analyses are inconclusive regarding the impact of this variant on the protein function. Computational splicing tools suggest that this variant may not impact RNA splicing. To our knowledge, functional assays have not been performed for this variant nor has this variant been reported in individuals affected with cardiovascular disorders in the literature. This variant has been identified in 9/251214 chromosomes in the general population by the Genome Aggregation Database (gnomAD). Available evidence is insufficient to determine the role of this variant in disease conclusively. Therefore, this variant is classified as a Variant of Uncertain Significance.

This study involves interpretation of variants in research participants for the purpose of population health screening. Participant phenotype was not available at the time of variant classification. Additional details can be found in publication PMID: 35346344, PMCID: PMC8962531

Color Diagnostics, LLC DBA Color Health
Classification: Uncertain significance for Cardiomyopathy. Last evaluated: 2024-03-06. Review status: criteria provided, single submitter. Criteria: ACMG Guidelines, 2015. Collection method: clinical testing. Allele origin: germline.
Comment: This missense variant replaces arginine with leucine at codon 479 of the DSC2 protein. Computational prediction suggests that this variant may not impact protein structure and function (internally defined REVEL score threshold <= 0.5, PMID: 27666373). To our knowledge, functional studies have not been reported for this variant. This variant has not been reported in individuals affected with cardiovascular disorders in the literature. This variant has been identified in 9/251214 chromosomes in the general population by the Genome Aggregation Database (gnomAD). The available evidence is insufficient to determine the role of this variant in disease conclusively. Therefore, this variant is classified as a Variant of Uncertain Significance.

Ambry Genetics
Classification: Likely benign for Cardiovascular phenotype. Last evaluated: 2021-06-30. Review status: criteria provided, single submitter. Criteria: Ambry Variant Classification Scheme 2023. Collection method: clinical testing. Allele origin: germline.

NM_024422.6(DSC2):c.1436G>T (p.Arg479Leu)

Gene: DSC2 (desmocollin 2; minus strand). Cytogenetic location: 18q12.1.
Variant type: single nucleotide variant.
Coding change: c.1436G>T on transcript NM_024422.6 (MANE Select); coding-DNA position 1436, G replaced by T.
Protein change: p.Arg479Leu; replaces arginine 479 with leucine.
Molecular consequence: missense variant.
Genome position (GRCh38, 1-based): chr18:31,080,180, C>A on the plus strand (G>T on the coding strand, the complement: DSC2 is on the minus strand). VCF-style: chr18-31080180-C-A. GRCh37 (hg19) VCF-style: chr18-28660146-C-A.
Other names: c.1436G>T, p.Arg479Leu (NM_004949.5); short protein forms R479L.
Identifiers: ClinVar variation 928252 (VCV000928252.13), dbSNP rs774641579, ClinGen allele CA031386.